The following is an entry in ClinVar:

ClinVar aggregate classification (germline): Pathogenic. Review status: criteria provided, single submitter (1 of 4 stars). 3 submissions from 3 submitters: Pathogenic (1). 2 of the submissions do not count toward it. Last evaluated 2022-09-07.

Conditions:
Glycine encephalopathy 1 (GCE1). Identifiers: MedGen CN376801, MONDO:0958179, OMIM 605899.
Glycine encephalopathy. Also called: Nonketotic hyperglycinemia; Non-ketotic hyperglycinemia. Identifiers: Orphanet 407, MedGen C0751748, MONDO:0011612, HP:0008288.

Submissions (3):

Labcorp Genetics (formerly Invitae), Labcorp
Classification: Pathogenic for Glycine encephalopathy. Last evaluated: 2022-09-07. Review status: criteria provided, single submitter. Criteria: Invitae Variant Classification Sherloc (09022015). Collection method: clinical testing. Allele origin: germline.
Comment: For these reasons, this variant has been classified as Pathogenic. This premature translational stop signal has been observed in individual(s) with glycine encephalopathy (PMID: 16601880). This variant is not present in population databases (gnomAD no frequency). This sequence change creates a premature translational stop signal (p.Leu10Cysfs*81) in the GLDC gene. It is expected to result in an absent or disrupted protein product. Loss-of-function variants in GLDC are known to be pathogenic (PMID: 16601880).

Counsyl
Classification: Likely pathogenic for Glycine encephalopathy 1. Last evaluated: 2017-11-30. Review status: no assertion criteria provided. Collection method: clinical testing. Allele origin: unknown. Not counted in ClinVar's aggregate classification.

Juha Muilu Group; Institute for Molecular Medicine Finland (FIMM)
Classification: Likely pathogenic for Non-ketotic hyperglycinemia. Review status: no assertion criteria provided. Collection method: not provided. Allele origin: unknown. Not counted in ClinVar's aggregate classification.
Comment: FinDis database variant: This variant was not found or characterized by our laboratory, data were collected from public sources: see reference
ClinVar note: Converted during submission from probable-pathogenic to Likely pathogenic.

Literature cited by the submitters: PubMed 16601880 (cited by Labcorp Genetics (formerly Invitae), Labcorp and Counsyl).

NM_000170.3(GLDC):c.28del (p.Leu10fs)

Gene: GLDC (glycine decarboxylase; minus strand). Cytogenetic location: 9p24.1.
Variant type: Deletion.
Coding change: c.28del on transcript NM_000170.3 (MANE Select); coding-DNA position 28, one base deleted (C; older notation c.28delC).
Protein change: p.Leu10fs; shifts the reading frame from leucine 10.
Molecular consequence: frameshift variant.
Genome position (GRCh38, 1-based): chr9:6,645,472, G deleted on the plus strand (C on the coding strand, the reverse complement: GLDC is on the minus strand). VCF-style (leftmost placement, unchanged base first): chr9-6645471-AG-A. GRCh37 (hg19) VCF-style: chr9-6645471-AG-A.
Other names: c.28delC (NM_000170.2); short protein forms L10fs.
Identifiers: ClinVar variation 56092 (VCV000056092.8), dbSNP rs386833574, ClinGen allele CA263409.